The following is an entry in ClinVar:

ClinVar aggregate classification (germline): Uncertain significance (1 of 4 stars; one submission).

Conditions:
Developmental and epileptic encephalopathy, 30 (DEE30). Also called: Epileptic encephalopathy, early infantile, 30. Identifiers: MedGen C4225360, MONDO:0014595, OMIM 616341.

Submission:

Labcorp Genetics (formerly Invitae), Labcorp
Classification: Uncertain significance for Developmental and epileptic encephalopathy, 30. Last evaluated: 2024-06-29. Review status: criteria provided, single submitter. Criteria: Invitae Variant Classification Sherloc (09022015). Collection method: clinical testing. Allele origin: germline.
Comment: This sequence change replaces alanine, which is neutral and non-polar, with glycine, which is neutral and non-polar, at codon 403 of the SIK1 protein (p.Ala403Gly). This variant is not present in population databases (gnomAD no frequency). This variant has not been reported in the literature in individuals affected with SIK1-related conditions. ClinVar contains an entry for this variant (Variation ID: 647070). Advanced modeling of protein sequence and biophysical properties (such as structural, functional, and spatial information, amino acid conservation, physicochemical variation, residue mobility, and thermodynamic stability) performed at Invitae indicates that this missense variant is not expected to disrupt SIK1 protein function with a negative predictive value of 95%. In summary, the available evidence is currently insufficient to determine the role of this variant in disease. Therefore, it has been classified as a Variant of Uncertain Significance.

NM_173354.5(SIK1):c.1208C>G (p.Ala403Gly)

Gene: SIK1 (salt inducible kinase 1; minus strand). Cytogenetic location: 21q22.3.
Variant type: single nucleotide variant.
Coding change: c.1208C>G on transcript NM_173354.5 (MANE Select); coding-DNA position 1208, C replaced by G.
Protein change: p.Ala403Gly; replaces alanine 403 with glycine.
Molecular consequence: missense variant.
Genome position (GRCh38, 1-based): chr21:43,419,390, G>C on the plus strand (C>G on the coding strand, the complement: SIK1 is on the minus strand). VCF-style: chr21-43419390-G-C. GRCh37 (hg19) VCF-style: chr21-44839270-G-C.
Other names: short protein forms A403G.
Identifiers: ClinVar variation 647070 (VCV000647070.11), dbSNP rs1601508504, ClinGen allele CA410608504.